The following is an entry in ClinVar:

NM_201384.3(PLEC):c.3873G>A (p.Ala1291=)

Gene: PLEC (plectin; minus strand). Cytogenetic location: 8q24.3.
Variant type: single nucleotide variant.
Coding change: c.3873G>A on transcript NM_201384.3 (MANE Select); coding-DNA position 3873, G replaced by A.
Protein change: p.Ala1291=; no amino-acid change (alanine 1291 retained).
Molecular consequence: synonymous variant.
Genome position (GRCh38, 1-based): chr8:143,927,049, C>T on the plus strand (G>A on the coding strand, the complement: PLEC is on the minus strand). VCF-style: chr8-143927049-C-T. GRCh37 (hg19) VCF-style: chr8-145001217-C-T.
Other names: c.3954G>A, p.Ala1318= (NM_000445.5); c.3831G>A, p.Ala1277= (NM_201378.4); c.3807G>A, p.Ala1269= (NM_201379.3); c.4284G>A, p.Ala1428= (NM_201380.4); c.3777G>A, p.Ala1259= (NM_201381.3); c.3873G>A, p.Ala1291= (NM_201382.4); c.3885G>A, p.Ala1295= (NM_201383.3).
Identifiers: ClinVar variation 501801 (VCV000501801.16), dbSNP rs374669316, ClinGen allele CA4926867.

ClinVar aggregate classification (germline): Conflicting classifications of pathogenicity. Review status: criteria provided, conflicting classifications (1 of 4 stars). 5 submissions from 5 submitters: Uncertain significance (1); Likely benign (3). 1 of the submissions does not count toward it. Last evaluated 2025-08-11.

Conditions:
Epidermolysis bullosa simplex 5B, with muscular dystrophy (EBS5B). Also called: EPIDERMOLYSIS BULLOSA SIMPLEX AND LIMB-GIRDLE MUSCULAR DYSTROPHY; Epidermolysis bullosa simplex with muscular dystrophy. Identifiers: Orphanet 257, MedGen C2931072, MONDO:0009181, OMIM 226670.
Autosomal recessive limb-girdle muscular dystrophy type 2Q (LGMDR17). Also called: MUSCULAR DYSTROPHY, LIMB-GIRDLE, AUTOSOMAL RECESSIVE 17. Identifiers: Orphanet 254361, MedGen C3150989, MONDO:0013390, OMIM 613723.
Epidermolysis bullosa simplex, Ogna type (EBS5A). Also called: Pidermolysis bullosa simplex 5A, Ogna type; EPIDERMOLYSIS BULLOSA SIMPLEX 5A, OGNA TYPE. Identifiers: Orphanet 79401, MedGen C0432317, MONDO:0007555, OMIM 131950.
Epidermolysis bullosa simplex with nail dystrophy (EBS5D). Identifiers: MedGen C4225309, MONDO:0014661, OMIM 616487.
Epidermolysis bullosa simplex 5C, with pyloric atresia (EBS5C). Also called: PLEC-Related Epidermolysis Bullosa with Pyloric Atresia; Epidermolysis bullosa simplex with pyloric atresia; PLEC1-Related Epidermolysis Bullosa with Pyloric Atresia. Identifiers: Orphanet 158684, MedGen C2677349, MONDO:0012807, OMIM 612138.
PLEC-related disorder. Also called: PLEC-related condition; PLEC-related disorders.

Allele frequency attached by ClinVar (database versions not stated): gnomAD 0.00005 and 0.00007; ESP Exome Variant Server 0.00008; TOPMed 0.00010; gnomAD exomes 0.00021; ExAC 0.00029.
gnomAD v4.1: 232 of 1,611,992 alleles (0.014%); highest among the groups gnomAD compares: South Asian, 0.12%; 1 homozygote.

Submissions (5):

Labcorp Genetics (formerly Invitae), Labcorp
Classification: Likely benign for Autosomal recessive limb-girdle muscular dystrophy type 2Q; Epidermolysis bullosa simplex, Ogna type; Epidermolysis bullosa simplex with nail dystrophy; Epidermolysis bullosa simplex 5C, with pyloric atresia; Epidermolysis bullosa simplex 5B, with muscular dystrophy. Last evaluated: 2025-08-11. Review status: criteria provided, single submitter. Criteria: Invitae Variant Classification Sherloc (09022015). Collection method: clinical testing. Allele origin: germline.

Blueprint Genetics
Classification: Likely benign. Last evaluated: 2023-11-16. Review status: criteria provided, single submitter. Criteria: ACMG Guidelines, 2015. Collection method: clinical testing. Allele origin: germline.

GeneDx
Classification: Likely benign. Last evaluated: 2017-06-12. Review status: criteria provided, single submitter. Criteria: GeneDx Variant Classification (06012015). Collection method: clinical testing. Allele origin: germline. Affected: yes.
Comment: This variant is considered likely benign or benign based on one or more of the following criteria: it is a conservative change, it occurs at a poorly conserved position in the protein, it is predicted to be benign by multiple in silico algorithms, and/or has population frequency not consistent with disease.

Eurofins Ntd Llc (ga)
Classification: Uncertain significance. Last evaluated: 2017-05-03. Review status: criteria provided, single submitter. Criteria: EGL Classification Definitions 2015. Collection method: clinical testing. Allele origin: germline. Observed: 1 variant allele, 1 heterozygote.

PreventionGenetics, part of Exact Sciences
Classification: Likely benign for PLEC-related condition. Last evaluated: 2019-10-28. Review status: no assertion criteria provided. Collection method: clinical testing. Allele origin: germline. Not counted in ClinVar's aggregate classification.
Comment: This variant is classified as likely benign based on ACMG/AMP sequence variant interpretation guidelines (Richards et al. 2015 PMID: 25741868, with internal and published modifications).